The following is an entry in ClinVar:

ClinVar aggregate classification (germline): Uncertain significance (1 of 4 stars; one submission).

Conditions:
PCNT-related disorder. Also called: PCNT-related condition.

gnomAD v4.1: 1 of 1,614,042 alleles (0.000062%); highest among the groups gnomAD compares: Non-Finnish European, 0.000085%; no homozygotes.

Submission:

PreventionGenetics, part of Exact Sciences
Classification: Uncertain significance for PCNT-related condition. Last evaluated: 2025-11-21. Review status: criteria provided, single submitter. Criteria: ACMG Guidelines, 2015. Collection method: clinical testing. Allele origin: germline.
Comment: The PCNT c.2633T>G variant is predicted to result in the amino acid substitution p.Ile878Ser. To our knowledge, this variant has not been reported in the literature or in a large population database (gnomAD), indicating this variant is rare. At this time, the clinical significance of this variant is uncertain due to the absence of conclusive functional and genetic evidence.

NM_006031.6(PCNT):c.2633T>G (p.Ile878Ser)

Gene: PCNT (pericentrin; plus strand). Cytogenetic location: 21q22.3.
Variant type: single nucleotide variant.
Coding change: c.2633T>G on transcript NM_006031.6 (MANE Select); coding-DNA position 2633, T replaced by G.
Protein change: p.Ile878Ser; replaces isoleucine 878 with serine.
Molecular consequence: missense variant.
Genome position (GRCh38, 1-based): chr21:46,366,607, T>G. VCF-style: chr21-46366607-T-G. GRCh37 (hg19) VCF-style: chr21-47786522-T-G.
Other names: c.2279T>G, p.Ile760Ser (NM_001315529.2); short protein forms I760S, I878S.
Identifiers: ClinVar variation 4995192 (VCV004995192.1).